The following is an entry in ClinVar:

ClinVar aggregate classification (germline): Pathogenic (1 of 4 stars; one submission).

Submission:

Labcorp Genetics (formerly Invitae), Labcorp
Classification: Pathogenic. Last evaluated: 2023-03-04. Review status: criteria provided, single submitter. Criteria: Invitae Variant Classification Sherloc (09022015). Collection method: clinical testing. Allele origin: germline.
Comment: For these reasons, this variant has been classified as Pathogenic. This variant has not been reported in the literature in individuals affected with SLC39A4-related conditions. This variant is not present in population databases (gnomAD no frequency). This sequence change creates a premature translational stop signal (p.Glu480Glyfs*6) in the SLC39A4 gene. It is expected to result in an absent or disrupted protein product. Loss-of-function variants in SLC39A4 are known to be pathogenic (PMID: 12955721).

Literature cited by the submitters: PubMed 12955721.

NM_130849.4(SLC39A4):c.1438dup (p.Glu480fs)

Gene: SLC39A4 (solute carrier family 39 member 4; minus strand). Cytogenetic location: 8q24.3.
Variant type: Duplication.
Coding change: c.1438dup on transcript NM_130849.4 (MANE Select); coding-DNA position 1438, one base duplicated (G; older notation c.1438dupG).
Protein change: p.Glu480fs; shifts the reading frame from glutamic acid 480.
Molecular consequence: frameshift variant. On other transcripts: 5 prime UTR variant (1).
Genome position (GRCh38, 1-based): chr8:144,413,549, C duplicated on the plus strand (G on the coding strand, the reverse complement: SLC39A4 is on the minus strand); the first of 2 consecutive C bases (chr8:144,413,549-144,413,550); duplicating either gives the same sequence. VCF-style (leftmost placement, unchanged base first): chr8-144413548-T-TC. GRCh37 (hg19) VCF-style: chr8-145638932-T-TC.
Other names: c.-57dup (NM_001280557.2); c.1156dup, p.Glu386fs (NM_001374839.1); c.1363dup, p.Glu455fs (NM_017767.3); short protein forms E386fs, E455fs, E480fs.
Identifiers: ClinVar variation 2842881 (VCV002842881.3), dbSNP rs2537428786, ClinGen allele CA2739269096.